The following is an entry in ClinVar:

ClinVar aggregate classification (germline): Pathogenic (1 of 4 stars; one submission).

Conditions:
Microcephaly, normal intelligence and immunodeficiency (NBS). Also called: SEEMANOVA SYNDROME II; Immunodeficiency, microcephaly with normal intelligence; Nijmegen breakage syndrome; Microcephaly with normal intelligence immunodeficiency and lymphoreticular malignancies; Nonsyndromal microcephaly autosomal recessive with normal intelligence; Seemanova syndrome 2. Identifiers: Orphanet 647, MedGen C0398791, MONDO:0009623, OMIM 251260.

Submission:

Labcorp Genetics (formerly Invitae), Labcorp
Classification: Pathogenic for Microcephaly, normal intelligence and immunodeficiency. Last evaluated: 2025-05-11. Review status: criteria provided, single submitter. Criteria: Invitae Variant Classification Sherloc (09022015). Collection method: clinical testing. Allele origin: germline.
Comment: This sequence change creates a premature translational stop signal (p.Met389Asnfs*12) in the NBN gene. It is expected to result in an absent or disrupted protein product. Loss-of-function variants in NBN are known to be pathogenic (PMID: 9590180, 16415040). This variant is not present in population databases (gnomAD no frequency). This premature translational stop signal has been observed in individual(s) with prostate cancer (PMID: 36346689). For these reasons, this variant has been classified as Pathogenic.

Literature cited by the submitters: PubMed 9590180; PubMed 16415040; PubMed 36346689.

NM_002485.5(NBN):c.1166_1175del (p.Met389fs)

Gene: NBN (nibrin; minus strand). Cytogenetic location: 8q21.3.
Variant type: Deletion.
Coding change: c.1166_1175del on transcript NM_002485.5 (MANE Select); coding-DNA positions 1166 to 1175, 10 bases deleted (TGGAACAAAA; older notation c.1166_1175delTGGAACAAAA).
Protein change: p.Met389fs; shifts the reading frame from methionine 389.
Molecular consequence: frameshift variant.
Genome position (GRCh38, 1-based): chr8:89,955,505-89,955,514, TTTTGTTCCA deleted on the plus strand (TGGAACAAAA on the coding strand, the reverse complement: NBN is on the minus strand); deleting any 10 consecutive bases within chr8:89,955,505-89,955,519 gives the same sequence; the c. name uses the placement nearest the transcript's 3' end. VCF-style (leftmost placement, unchanged base first): chr8-89955504-TTTTTGTTCCA-T. GRCh37 (hg19) VCF-style: chr8-90967732-TTTTTGTTCCA-T.
Other names: c.920_929del, p.Met307fs (NM_001440379.1, NM_001440380.1, NM_001024688.3); short protein forms M307fs, M389fs.
Identifiers: ClinVar variation 4710752 (VCV004710752.1).
Genomic context (GRCh38, chr8:89,955,504, plus strand): 5'-ATTAGAGCTTGTTTTGCAGGACTCCTTTACAGTGGGTGCATCTTGTGAAAGCATTCTGAA[TTTTTGTTCCA>T]TTTTGGAGACTTTGATTTCTTTTGGCCTTTCACTCAAATCCCTGTAGAAAAAGAAAAGAA-3'